The following is an entry in ClinVar:

NM_006015.6(ARID1A):c.4121A>G (p.Asp1374Gly)

Gene: ARID1A (AT-rich interaction domain 1A; plus strand). Cytogenetic location: 1p36.11.
Variant type: single nucleotide variant.
Coding change: c.4121A>G on transcript NM_006015.6 (MANE Select); coding-DNA position 4121, A replaced by G.
Protein change: p.Asp1374Gly; replaces aspartic acid 1374 with glycine.
Molecular consequence: missense variant. On other transcripts: intron variant (1).
Genome position (GRCh38, 1-based): chr1:26,774,348, A>G. VCF-style: chr1-26774348-A-G. GRCh37 (hg19) VCF-style: chr1-27100839-A-G.
Other names: c.4101+450A>G (NM_139135.4); short protein forms D1374G.
Identifiers: ClinVar variation 3376348 (VCV003376348.1).

ClinVar aggregate classification (germline): Uncertain significance (1 of 4 stars; one submission).

Conditions:
Intellectual disability, autosomal dominant 14 (CSS2). Also called: COFFIN-SIRIS SYNDROME 2. Identifiers: Orphanet 1465, MedGen C3553247, MONDO:0013819, OMIM 614607.

Submission:

Pittsburgh Clinical Genomics Laboratory, University of Pittsburgh Medical Center
Classification: Uncertain significance for Intellectual disability, autosomal dominant 14. Last evaluated: 2024-02-21. Review status: criteria provided, single submitter. Criteria: ACMG Guidelines, 2015. Collection method: clinical testing. Allele origin: germline. Inheritance: Autosomal dominant inheritance. Affected: yes.
Comment: This sequence variant is a single nucleotide substitution (A>G) at position 4121 of the coding sequence of the ARID1A gene that results in an aspartic acid to glycine amino acid change at residue 1374 of the AT-rich interaction domain 1A protein. The 1374 residue falls in the nuclear localization signal domain (Uniprot). This variant is absent from ClinVar and is present in 1 of 201464 alleles (0.0005%) in the gnomAD population dataset. To our knowledge, this variant has not been observed in an individual affected by an ARID1A-related disorder in the published literature. Multiple bioinformatic tools predict that this amino acid change would be damaging, and the Asp1374 residue at this position is highly conserved across the vertebrate species examined. Studies examining the functional consequence of this variant have not been published, to our knowledge. At this time, there is insufficient evidence to determine if this variant is pathogenic or benign. Therefore, we consider this a variant of uncertain significance. ACMG Criteria: PM2, PP3